The following is an entry in ClinVar:

ClinVar aggregate classification (germline): Uncertain significance. Review status: criteria provided, multiple submitters, no conflicts (2 of 4 stars). 2 submissions from 2 submitters: Uncertain significance (2). Last evaluated 2025-05-26.

Conditions:
Hereditary cancer-predisposing syndrome. Also called: Neoplastic Syndromes, Hereditary; Tumor predisposition; Hereditary neoplastic syndrome; Hereditary Cancer Syndrome. Identifiers: Orphanet 140162, MedGen C0027672, MeSH D009386, MONDO:0015356.
Neuroblastoma, susceptibility to, 3. Also called: ALK-Related Neuroblastic Tumor Susceptibility. Identifiers: Orphanet 635, MedGen C2751681, MONDO:0013083, OMIM 613014.

Submissions (2):

Ambry Genetics
Classification: Uncertain significance for Hereditary cancer-predisposing syndrome. Last evaluated: 2025-05-26. Review status: criteria provided, single submitter. Criteria: Ambry Variant Classification Scheme 2023. Collection method: clinical testing. Allele origin: germline.
Comment: The p.K1518R variant (also known as c.4553A>G), located in coding exon 29 of the ALK gene, results from an A to G substitution at nucleotide position 4553. The lysine at codon 1518 is replaced by arginine, an amino acid with highly similar properties. This amino acid position is conserved. In addition, this alteration is predicted to be tolerated by in silico analysis. Since supporting evidence is limited at this time, the clinical significance of this alteration remains unclear.

Labcorp Genetics (formerly Invitae), Labcorp
Classification: Uncertain significance for Neuroblastoma, susceptibility to, 3. Last evaluated: 2025-02-13. Review status: criteria provided, single submitter. Criteria: Invitae Variant Classification Sherloc (09022015). Collection method: clinical testing. Allele origin: germline.
Comment: This sequence change replaces lysine, which is basic and polar, with arginine, which is basic and polar, at codon 1518 of the ALK protein (p.Lys1518Arg). This variant is not present in population databases (gnomAD no frequency). This variant has not been reported in the literature in individuals affected with ALK-related conditions. ClinVar contains an entry for this variant (Variation ID: 1929044). An algorithm developed to predict the effect of missense changes on protein structure and function (PolyPhen-2) suggests that this variant is likely to be tolerated. In summary, the available evidence is currently insufficient to determine the role of this variant in disease. Therefore, it has been classified as a Variant of Uncertain Significance.

NM_004304.5(ALK):c.4553A>G (p.Lys1518Arg)

Gene: ALK (ALK receptor tyrosine kinase; minus strand). Cytogenetic location: 2p23.2.
Variant type: single nucleotide variant.
Coding change: c.4553A>G on transcript NM_004304.5 (MANE Select); coding-DNA position 4553, A replaced by G.
Protein change: p.Lys1518Arg; replaces lysine 1518 with arginine.
Molecular consequence: missense variant.
Genome position (GRCh38, 1-based): chr2:29,193,534, T>C on the plus strand (A>G on the coding strand, the complement: ALK is on the minus strand). VCF-style: chr2-29193534-T-C. GRCh37 (hg19) VCF-style: chr2-29416400-T-C.
Other names: c.1349A>G, p.Lys450Arg (NM_001353765.2); c.4553A>G (NM_004304.4); short protein forms K450R, K1518R.
Identifiers: ClinVar variation 1929044 (VCV001929044.8), dbSNP rs2148137940, ClinGen allele CA346460796.